The following is an entry in ClinVar:

NM_001134831.2(AHI1):c.266A>G (p.Asn89Ser)

Gene: AHI1 (Abelson helper integration site 1; minus strand). Cytogenetic location: 6q23.3.
Variant type: single nucleotide variant.
Coding change: c.266A>G on transcript NM_001134831.2 (MANE Select); coding-DNA position 266, A replaced by G.
Protein change: p.Asn89Ser; replaces asparagine 89 with serine.
Molecular consequence: missense variant.
Genome position (GRCh38, 1-based): chr6:135,466,297, T>C on the plus strand (A>G on the coding strand, the complement: AHI1 is on the minus strand). VCF-style: chr6-135466297-T-C. GRCh37 (hg19) VCF-style: chr6-135787435-T-C.
Other names: c.266A>G (NM_017651.4); c.266A>G, p.Asn89Ser (NM_001134830.2, NM_001134832.2, NM_001350503.2 and 2 more transcripts); short protein forms N89S.
Identifiers: ClinVar variation 1464950 (VCV001464950.10), dbSNP rs1374914353, ClinGen allele CA365752196.

ClinVar aggregate classification (germline): Uncertain significance. Review status: criteria provided, multiple submitters, no conflicts (2 of 4 stars). 3 submissions from 3 submitters: Uncertain significance (3). Last evaluated 2024-05-21.

Conditions:
Joubert syndrome 3 (JBTS3). Also called: AHI1-related Ciliopathy. Identifiers: Orphanet 220493, MedGen C1837713, MONDO:0012078, OMIM 608629.
Joubert syndrome. Also called: Familial aplasia of the vermis; JOUBERT-BOLTSHAUSER SYNDROME. Identifiers: Orphanet 475, MedGen C5979921, MONDO:0018772.

Allele frequency attached by ClinVar (database versions not stated): gnomAD exomes below 0.00001 and 0.00001; TOPMed below 0.00001.
gnomAD v4.1: 2 of 1,613,956 alleles (0.00012%); highest among the groups gnomAD compares: Admixed American, 0.0017%; no homozygotes.

Submissions (3):

Fulgent Genetics
Classification: Uncertain significance for Joubert syndrome 3. Last evaluated: 2024-05-21. Review status: criteria provided, single submitter. Criteria: ACMG Guidelines, 2015. Collection method: clinical testing. Allele origin: germline.

Labcorp Genetics (formerly Invitae), Labcorp
Classification: Uncertain significance for Joubert syndrome. Last evaluated: 2023-11-06. Review status: criteria provided, single submitter. Criteria: Invitae Variant Classification Sherloc (09022015). Collection method: clinical testing. Allele origin: germline.
Comment: This sequence change replaces asparagine, which is neutral and polar, with serine, which is neutral and polar, at codon 89 of the AHI1 protein (p.Asn89Ser). This variant is present in population databases (no rsID available, gnomAD 0.003%). This variant has not been reported in the literature in individuals affected with AHI1-related conditions. ClinVar contains an entry for this variant (Variation ID: 1464950). Advanced modeling of protein sequence and biophysical properties (such as structural, functional, and spatial information, amino acid conservation, physicochemical variation, residue mobility, and thermodynamic stability) performed at Invitae indicates that this missense variant is not expected to disrupt AHI1 protein function with a negative predictive value of 95%. In summary, the available evidence is currently insufficient to determine the role of this variant in disease. Therefore, it has been classified as a Variant of Uncertain Significance.

Blueprint Genetics
Classification: Uncertain significance. Last evaluated: 2022-03-25. Review status: criteria provided, single submitter. Criteria: ACMG Guidelines, 2015. Collection method: clinical testing. Allele origin: germline.